The following is an entry in ClinVar:

ClinVar aggregate classification (germline): Uncertain significance. Review status: criteria provided, multiple submitters, no conflicts (2 of 4 stars). 2 submissions from 2 submitters: Uncertain significance (2). Last evaluated 2025-02-20.

Allele frequency attached by ClinVar (database versions not stated): TOPMed below 0.00001; gnomAD 0.00001.

Submissions (2):

Labcorp Genetics (formerly Invitae), Labcorp
Classification: Uncertain significance. Last evaluated: 2025-02-20. Review status: criteria provided, single submitter. Criteria: Invitae Variant Classification Sherloc (09022015). Collection method: clinical testing. Allele origin: germline.
Comment: This sequence change replaces valine, which is neutral and non-polar, with isoleucine, which is neutral and non-polar, at codon 525 of the CD96 protein (p.Val525Ile). This variant is not present in population databases (gnomAD no frequency). This variant has not been reported in the literature in individuals affected with CD96-related conditions. ClinVar contains an entry for this variant (Variation ID: 3140720). Invitae Evidence Modeling of protein sequence and biophysical properties (such as structural, functional, and spatial information, amino acid conservation, physicochemical variation, residue mobility, and thermodynamic stability) indicates that this missense variant is not expected to disrupt CD96 protein function with a negative predictive value of 80%. In summary, the available evidence is currently insufficient to determine the role of this variant in disease. Therefore, it has been classified as a Variant of Uncertain Significance.

Ambry Genetics
Classification: Uncertain significance. Last evaluated: 2023-11-18. Review status: criteria provided, single submitter. Criteria: Ambry Variant Classification Scheme 2023. Collection method: clinical testing. Allele origin: germline.

NM_005816.5(CD96):c.1525G>A (p.Val509Ile)

Gene: CD96 (CD96 molecule; plus strand). Cytogenetic location: 3q13.2.
Variant type: single nucleotide variant.
Coding change: c.1525G>A on transcript NM_005816.5 (MANE Select); coding-DNA position 1525, G replaced by A.
Protein change: p.Val509Ile; replaces valine 509 with isoleucine.
Molecular consequence: missense variant. On other transcripts: non-coding transcript variant (1).
Genome position (GRCh38, 1-based): chr3:111,647,590, G>A. VCF-style: chr3-111647590-G-A. GRCh37 (hg19) VCF-style: chr3-111366437-G-A.
Other names: c.1522G>A, p.Val508Ile (NM_001410800.1); c.1573G>A, p.Val525Ile (NM_198196.3); short protein forms V525I, V508I, V509I.
Identifiers: ClinVar variation 3140720 (VCV003140720.2), dbSNP rs759410727, ClinGen allele CA81494356.